The following is an entry in ClinVar:

NM_001122764.3(PPOX):c.987+6A>T

Gene: PPOX (protoporphyrinogen oxidase; plus strand). Cytogenetic location: 1q23.3.
Variant type: single nucleotide variant.
Coding change: c.987+6A>T on transcript NM_001122764.3 (MANE Select); 6 bases into the intron after coding-DNA position 987, A replaced by T.
Molecular consequence: intron variant.
Genome position (GRCh38, 1-based): chr1:161,170,030, A>T. VCF-style: chr1-161170030-A-T. GRCh37 (hg19) VCF-style: chr1-161139820-A-T.
Other names: c.579+6A>T (NM_001365400.1, NM_001350129.2); c.501+6A>T (NM_001365401.1, NM_001350130.2, NM_001350131.2); c.987+6A>T (NM_001365398.1, NM_001365399.1, NM_000309.5); c.888+6A>T (NM_001350128.2).
Identifiers: ClinVar variation 2879702 (VCV002879702.3), dbSNP rs1255127950, ClinGen allele CA890165408.

ClinVar aggregate classification (germline): Uncertain significance (1 of 4 stars; one submission).

Submission:

Labcorp Genetics (formerly Invitae), Labcorp
Classification: Uncertain significance. Last evaluated: 2026-01-27. Review status: criteria provided, single submitter. Criteria: Invitae Variant Classification Sherloc (09022015). Collection method: clinical testing. Allele origin: germline.
Comment: This sequence change falls in intron 9 of the PPOX gene. It does not directly change the encoded amino acid sequence of the PPOX protein. It affects a nucleotide within the consensus splice site. This variant is not present in population databases (gnomAD no frequency). This variant has not been reported in the literature in individuals affected with PPOX-related conditions. ClinVar contains an entry for this variant (Variation ID: 2879702). Variants that disrupt the consensus splice site are a relatively common cause of aberrant splicing (PMID: 17576681, 9536098). Algorithms developed to predict the effect of sequence changes on RNA splicing suggest that this variant is not likely to affect RNA splicing. In summary, the available evidence is currently insufficient to determine the role of this variant in disease. Therefore, it has been classified as a Variant of Uncertain Significance.

Literature cited by the submitters: PubMed 17576681; PubMed 9536098.